The following is an entry in ClinVar:

ClinVar aggregate classification (germline): Uncertain significance. Review status: criteria provided, multiple submitters, no conflicts (2 of 4 stars). 2 submissions from 2 submitters: Uncertain significance (2). Last evaluated 2023-07-25.

Conditions:
Inborn genetic diseases. Identifiers: MedGen C0950123, MeSH D030342.

Allele frequency attached by ClinVar (database versions not stated): ExAC 0.00003; gnomAD 0.00003; gnomAD exomes 0.00006; TOPMed 0.00006; 1000 Genomes Project 30x 0.00031.
gnomAD v4.1: 86 of 1,581,680 alleles (0.0054%); highest among the groups gnomAD compares: South Asian, 0.027%; no homozygotes.

Submissions (2):

Ambry Genetics
Classification: Uncertain significance for Inborn genetic diseases. Last evaluated: 2023-07-25. Review status: criteria provided, single submitter. Criteria: Ambry Variant Classification Scheme 2023. Collection method: clinical testing. Allele origin: germline.

Labcorp Genetics (formerly Invitae), Labcorp
Classification: Uncertain significance. Last evaluated: 2022-08-21. Review status: criteria provided, single submitter. Criteria: Invitae Variant Classification Sherloc (09022015). Collection method: clinical testing. Allele origin: germline.
Comment: This sequence change replaces isoleucine, which is neutral and non-polar, with threonine, which is neutral and polar, at codon 105 of the SPARC protein (p.Ile105Thr). This variant is present in population databases (rs771396512, gnomAD 0.02%). This variant has not been reported in the literature in individuals affected with SPARC-related conditions. Algorithms developed to predict the effect of missense changes on protein structure and function (SIFT, PolyPhen-2, Align-GVGD) all suggest that this variant is likely to be tolerated. In summary, the available evidence is currently insufficient to determine the role of this variant in disease. Therefore, it has been classified as a Variant of Uncertain Significance.

NM_003118.4(SPARC):c.314T>C (p.Ile105Thr)

Gene: SPARC (secreted protein acidic and cysteine rich; minus strand). Cytogenetic location: 5q33.1.
Variant type: single nucleotide variant.
Coding change: c.314T>C on transcript NM_003118.4 (MANE Select); coding-DNA position 314, T replaced by C.
Protein change: p.Ile105Thr; replaces isoleucine 105 with threonine.
Molecular consequence: missense variant.
Genome position (GRCh38, 1-based): chr5:151,671,589, A>G on the plus strand (T>C on the coding strand, the complement: SPARC is on the minus strand). VCF-style: chr5-151671589-A-G. GRCh37 (hg19) VCF-style: chr5-151051150-A-G.
Other names: c.311T>C, p.Ile104Thr (NM_001309443.2); c.314T>C, p.Ile105Thr (NM_001309444.2); c.314T>C (NM_003118.2); short protein forms I104T, I105T.
Identifiers: ClinVar variation 1907820 (VCV001907820.4), dbSNP rs771396512, ClinGen allele CA3522749.